The following is an entry in ClinVar:

NM_000444.6(PHEX):c.211A>T (p.Asn71Tyr)

Gene: PHEX (phosphate regulating endopeptidase X-linked; plus strand). Cytogenetic location: Xp22.11.
Variant type: single nucleotide variant.
Coding change: c.211A>T on transcript NM_000444.6 (MANE Select); coding-DNA position 211, A replaced by T.
Protein change: p.Asn71Tyr; replaces asparagine 71 with tyrosine.
Molecular consequence: missense variant.
Genome position (GRCh38, 1-based): chrX:22,047,073, A>T. VCF-style: chrX-22047073-A-T. GRCh37 (hg19) VCF-style: chrX-22065191-A-T.
Other names: c.211A>T, p.Asn71Tyr (NM_001282754.2); short protein forms N71Y.
Identifiers: ClinVar variation 4711304 (VCV004711304.1).

ClinVar aggregate classification (germline): Uncertain significance (1 of 4 stars; one submission).

Submission:

Labcorp Genetics (formerly Invitae), Labcorp
Classification: Uncertain significance. Last evaluated: 2026-01-12. Review status: criteria provided, single submitter. Criteria: Invitae Variant Classification Sherloc (09022015). Collection method: clinical testing. Allele origin: germline.
Comment: This sequence change replaces asparagine, which is neutral and polar, with tyrosine, which is neutral and polar, at codon 71 of the PHEX protein (p.Asn71Tyr). This variant is not present in population databases (gnomAD no frequency). This variant has not been reported in the literature in individuals affected with PHEX-related conditions. Invitae Evidence Modeling of protein sequence and biophysical properties (such as structural, functional, and spatial information, amino acid conservation, physicochemical variation, residue mobility, and thermodynamic stability) has been performed for this missense variant. However, the output from this modeling did not meet the statistical confidence thresholds required to predict the impact of this variant on PHEX protein function. This variant disrupts the p.Asn71 amino acid residue in PHEX. Other variant(s) that disrupt this residue have been determined to be pathogenic (PMID: 21902834, 30607568). This suggests that this residue is clinically significant, and that variants that disrupt this residue are likely to be disease-causing. In summary, the available evidence is currently insufficient to determine the role of this variant in disease. Therefore, it has been classified as a Variant of Uncertain Significance.

Literature cited by the submitters: PubMed 21902834; PubMed 30607568.